The following is an entry in ClinVar:

NM_007255.3(B4GALT7):c.226C>A (p.Pro76Thr)

Gene: B4GALT7 (beta-1,4-galactosyltransferase 7; plus strand). Cytogenetic location: 5q35.3.
Variant type: single nucleotide variant.
Coding change: c.226C>A on transcript NM_007255.3 (MANE Select); coding-DNA position 226, C replaced by A.
Protein change: p.Pro76Thr; replaces proline 76 with threonine.
Molecular consequence: missense variant.
Genome position (GRCh38, 1-based): chr5:177,604,354, C>A. VCF-style: chr5-177604354-C-A. GRCh37 (hg19) VCF-style: chr5-177031355-C-A.
Other names: short protein forms P76T.
Identifiers: ClinVar variation 4086756 (VCV004086756.1).

ClinVar aggregate classification (germline): Uncertain significance (1 of 4 stars; one submission).

Submission:

GeneDx
Classification: Uncertain significance. Last evaluated: 2025-03-17. Review status: criteria provided, single submitter. Criteria: GeneDx Variant Classification Process June 2021. Collection method: clinical testing. Allele origin: germline. Affected: yes.
Comment: Not observed at significant frequency in large population cohorts (gnomAD); In silico analysis indicates that this missense variant does not alter protein structure/function; Has not been previously published as pathogenic or benign to our knowledge